The following is an entry in ClinVar:

NM_022124.6(CDH23):c.9073G>T (p.Asp3025Tyr)

Gene: CDH23 (cadherin related 23; plus strand). Cytogenetic location: 10q22.1.
Variant type: single nucleotide variant.
Coding change: c.9073G>T on transcript NM_022124.6 (MANE Select); coding-DNA position 9073, G replaced by T.
Protein change: p.Asp3025Tyr; replaces aspartic acid 3025 with tyrosine.
Molecular consequence: missense variant.
Genome position (GRCh38, 1-based): chr10:71,810,565, G>T. VCF-style: chr10-71810565-G-T. GRCh37 (hg19) VCF-style: chr10-73570322-G-T.
Other names: c.2353G>T, p.Asp785Tyr (NM_001171933.1, NM_001171934.1); short protein forms D3025Y, D785Y.
Identifiers: ClinVar variation 1949280 (VCV001949280.5), dbSNP rs1484991919, ClinGen allele CA377134188.

ClinVar aggregate classification (germline): Uncertain significance (1 of 4 stars; one submission).

Allele frequency attached by ClinVar (database versions not stated): TOPMed 0.00001.

Submission:

Labcorp Genetics (formerly Invitae), Labcorp
Classification: Uncertain significance. Last evaluated: 2022-10-21. Review status: criteria provided, single submitter. Criteria: Invitae Variant Classification Sherloc (09022015). Collection method: clinical testing. Allele origin: germline.
Comment: This variant is not present in population databases (gnomAD no frequency). In summary, the available evidence is currently insufficient to determine the role of this variant in disease. Therefore, it has been classified as a Variant of Uncertain Significance. Advanced modeling of protein sequence and biophysical properties (such as structural, functional, and spatial information, amino acid conservation, physicochemical variation, residue mobility, and thermodynamic stability) performed at Invitae indicates that this missense variant is not expected to disrupt CDH23 protein function. This variant has not been reported in the literature in individuals affected with CDH23-related conditions. This sequence change replaces aspartic acid, which is acidic and polar, with tyrosine, which is neutral and polar, at codon 3025 of the CDH23 protein (p.Asp3025Tyr).